The following is an entry in ClinVar:

ClinVar aggregate classification (germline): Likely pathogenic (1 of 4 stars; one submission).

gnomAD v4.1: 4 of 1,613,452 alleles (0.00025%); highest among the groups gnomAD compares: Non-Finnish European, 0.00034%; no homozygotes.

Submission:

Labcorp Genetics (formerly Invitae), Labcorp
Classification: Likely pathogenic. Last evaluated: 2024-02-14. Review status: criteria provided, single submitter. Criteria: Invitae Variant Classification Sherloc (09022015). Collection method: clinical testing. Allele origin: germline.
Comment: This sequence change affects an acceptor splice site in intron 22 of the ZNF335 gene. It is expected to disrupt RNA splicing. Variants that disrupt the donor or acceptor splice site typically lead to a loss of protein function (PMID: 16199547), and loss-of-function variants in ZNF335 are known to be pathogenic (PMID: 23178126, 26795593). This variant is present in population databases (no rsID available, gnomAD 0.002%). This variant has not been reported in the literature in individuals affected with ZNF335-related conditions. Algorithms developed to predict the effect of sequence changes on RNA splicing suggest that this variant may disrupt the consensus splice site. In summary, the currently available evidence indicates that the variant is pathogenic, but additional data are needed to prove that conclusively. Therefore, this variant has been classified as Likely Pathogenic.

Literature cited by the submitters: PubMed 16199547; PubMed 23178126; PubMed 26795593.

NM_022095.4(ZNF335):c.3488-1G>A

Gene: ZNF335 (zinc finger protein 335; minus strand). Cytogenetic location: 20q13.12.
Variant type: single nucleotide variant.
Coding change: c.3488-1G>A on transcript NM_022095.4 (MANE Select); the canonical splice acceptor site of the intron before coding-DNA position 3488, G replaced by A.
Molecular consequence: splice acceptor variant.
Genome position (GRCh38, 1-based): chr20:45,950,070, C>T on the plus strand (G>A on the coding strand, the complement: ZNF335 is on the minus strand). VCF-style: chr20-45950070-C-T. GRCh37 (hg19) VCF-style: chr20-44578709-C-T.
Identifiers: ClinVar variation 3674476 (VCV003674476.2).